The following is an entry in ClinVar:

ClinVar aggregate classification (germline): Benign/Likely benign. Review status: criteria provided, multiple submitters, no conflicts (2 of 4 stars). 2 submissions from 2 submitters: Benign (1); Likely benign (1). Last evaluated 2025-11-05.

Conditions:
Familial melanoma. Also called: Hereditary melanoma; Hereditary cutaneous melanoma. Identifiers: Orphanet 618, MedGen C1512419, MONDO:0018961.
Melanoma, cutaneous malignant, susceptibility to, 3. Also called: Cutaneous malignant melanoma 3. Identifiers: Orphanet 618, MedGen C1836892, MONDO:0012183, OMIM 609048.

gnomAD v4.1: 2 of 1,614,138 alleles (0.00012%); highest among the groups gnomAD compares: South Asian, 0.0022%; no homozygotes.

Submissions (2):

Labcorp Genetics (formerly Invitae), Labcorp
Classification: Likely benign for Familial melanoma. Last evaluated: 2025-11-05. Review status: criteria provided, single submitter. Criteria: Invitae Variant Classification Sherloc (09022015). Collection method: clinical testing. Allele origin: germline.

Myriad Genetics, Inc.
Classification: Benign for Melanoma, cutaneous malignant, susceptibility to, 3. Last evaluated: 2024-09-25. Review status: criteria provided, single submitter. Criteria: Myriad Autosomal Dominant, Autosomal Recessive and X-Linked Classification Criteria (2023). Collection method: clinical testing. Allele origin: unknown.
Comment: This variant is considered benign. This variant is a silent/synonymous amino acid change and it is not expected to impact splicing.

NM_000075.4(CDK4):c.351C>A (p.Ile117=)

Gene: CDK4 (cyclin dependent kinase 4; minus strand). Cytogenetic location: 12q14.1.
Variant type: single nucleotide variant.
Coding change: c.351C>A on transcript NM_000075.4 (MANE Select); coding-DNA position 351, C replaced by A.
Protein change: p.Ile117=; no amino-acid change (isoleucine 117 retained).
Molecular consequence: synonymous variant.
Genome position (GRCh38, 1-based): chr12:57,751,210, G>T on the plus strand (C>A on the coding strand, the complement: CDK4 is on the minus strand). VCF-style: chr12-57751210-G-T. GRCh37 (hg19) VCF-style: chr12-58144993-G-T.
Identifiers: ClinVar variation 2087483 (VCV002087483.5), dbSNP rs1335815616, ClinGen allele CA480404560.
Genomic context (GRCh38, chr12:57,751,210, plus strand): 5'-GAAGGTTCTACTACAAAGGTCCCAATCCACCTCTCAATGCCTACCAACCCCACTCACCTT[G>T]ATCGTTTCGGCTGGCAAGCCTGGTGGGGGTGCCTTGTCCAGATATGTCCTTAGGTCCTGG-3'
Protein context (NP_000066.1, residues 107-127): APPPGLPAET[Ile117=]KDLMRQFLRG